The following is an entry in ClinVar:

ClinVar aggregate classification (germline): Uncertain significance (1 of 4 stars; one submission).

Conditions:
Catecholaminergic polymorphic ventricular tachycardia 1. Also called: VENTRICULAR TACHYCARDIA, STRESS-INDUCED POLYMORPHIC 1; VENTRICULAR TACHYCARDIA, CATECHOLAMINERGIC POLYMORPHIC, 1, WITH OR WITHOUT ATRIAL DYSFUNCTION AND/OR DILATED CARDIOMYOPATHY; RYR2-Related Catecholaminergic Polymorphic Ventricular Tachycardia. Identifiers: Orphanet 3286, MedGen C1631597, MONDO:0011484, OMIM 604772.

Submission:

Labcorp Genetics (formerly Invitae), Labcorp
Classification: Uncertain significance for Catecholaminergic polymorphic ventricular tachycardia 1. Last evaluated: 2022-08-19. Review status: criteria provided, single submitter. Criteria: Invitae Variant Classification Sherloc (09022015). Collection method: clinical testing. Allele origin: germline.
Comment: This sequence change replaces serine, which is neutral and polar, with isoleucine, which is neutral and non-polar, at codon 974 of the RYR2 protein (p.Ser974Ile). This variant is not present in population databases (gnomAD no frequency). This variant has not been reported in the literature in individuals affected with RYR2-related conditions. Algorithms developed to predict the effect of missense changes on protein structure and function are either unavailable or do not agree on the potential impact of this missense change (SIFT: "Deleterious"; PolyPhen-2: "Benign"; Align-GVGD: "Class C65"). In summary, the available evidence is currently insufficient to determine the role of this variant in disease. Therefore, it has been classified as a Variant of Uncertain Significance.

NM_001035.3(RYR2):c.2921G>T (p.Ser974Ile)

Gene: RYR2 (ryanodine receptor 2; plus strand). Cytogenetic location: 1q43.
Variant type: single nucleotide variant.
Coding change: c.2921G>T on transcript NM_001035.3 (MANE Select); coding-DNA position 2921, G replaced by T.
Protein change: p.Ser974Ile; replaces serine 974 with isoleucine.
Molecular consequence: missense variant.
Genome position (GRCh38, 1-based): chr1:237,548,445, G>T. VCF-style: chr1-237548445-G-T. GRCh37 (hg19) VCF-style: chr1-237711745-G-T.
Other names: short protein forms S974I.
Identifiers: ClinVar variation 2201803 (VCV002201803.4), dbSNP rs2546276023, ClinGen allele CA345393447.